The following is an entry in ClinVar:

NM_025009.5(CEP135):c.2387G>T (p.Arg796Leu)

Gene: CEP135 (centrosomal protein 135; plus strand). Cytogenetic location: 4q12.
Variant type: single nucleotide variant.
Coding change: c.2387G>T on transcript NM_025009.5 (MANE Select); coding-DNA position 2387, G replaced by T.
Protein change: p.Arg796Leu; replaces arginine 796 with leucine.
Molecular consequence: missense variant.
Genome position (GRCh38, 1-based): chr4:56,009,785, G>T. VCF-style: chr4-56009785-G-T. GRCh37 (hg19) VCF-style: chr4-56875951-G-T.
Other names: c.2387G>T (NM_025009.3); short protein forms R796L.
Identifiers: ClinVar variation 1962222 (VCV001962222.7), dbSNP rs769259060, ClinGen allele CA97583134.

ClinVar aggregate classification (germline): Uncertain significance. Review status: criteria provided, multiple submitters, no conflicts (2 of 4 stars). 2 submissions from 2 submitters: Uncertain significance (2). Last evaluated 2023-04-07.

Conditions:
Inborn genetic diseases. Identifiers: MedGen C0950123, MeSH D030342.

gnomAD v4.1: 5 of 1,613,540 alleles (0.00031%); highest among the groups gnomAD compares: African/African-American, 0.0027%; no homozygotes.

Submissions (2):

Ambry Genetics
Classification: Uncertain significance for Inborn genetic diseases. Last evaluated: 2023-04-07. Review status: criteria provided, single submitter. Criteria: Ambry Variant Classification Scheme 2023. Collection method: clinical testing. Allele origin: germline.

Labcorp Genetics (formerly Invitae), Labcorp
Classification: Uncertain significance. Last evaluated: 2022-04-08. Review status: criteria provided, single submitter. Criteria: Invitae Variant Classification Sherloc (09022015). Collection method: clinical testing. Allele origin: germline.
Comment: In summary, the available evidence is currently insufficient to determine the role of this variant in disease. Therefore, it has been classified as a Variant of Uncertain Significance. Algorithms developed to predict the effect of missense changes on protein structure and function output the following: SIFT: "Deleterious"; PolyPhen-2: "Benign"; Align-GVGD: "Class C15". The leucine amino acid residue is found in multiple mammalian species, which suggests that this missense change does not adversely affect protein function. This variant has not been reported in the literature in individuals affected with CEP135-related conditions. This variant is not present in population databases (gnomAD no frequency). This sequence change replaces arginine, which is basic and polar, with leucine, which is neutral and non-polar, at codon 796 of the CEP135 protein (p.Arg796Leu).